The following is an entry in ClinVar:

ClinVar aggregate classification (germline): Uncertain significance (1 of 4 stars; one submission).

Conditions:
Bloom syndrome (BLM). Also called: Bloom-Torre-Machacek syndrome. Identifiers: Orphanet 125, MedGen C0005859, MONDO:0008876, OMIM 210900.

Submission:

Labcorp Genetics (formerly Invitae), Labcorp
Classification: Uncertain significance for Bloom syndrome. Last evaluated: 2020-10-13. Review status: criteria provided, single submitter. Criteria: Invitae Variant Classification Sherloc (09022015). Collection method: clinical testing. Allele origin: germline.
Comment: In summary, the available evidence is currently insufficient to determine the role of this variant in disease. Therefore, it has been classified as a Variant of Uncertain Significance. Algorithms developed to predict the effect of missense changes on protein structure and function (SIFT, PolyPhen-2, Align-GVGD) all suggest that this variant is likely to be tolerated, but these predictions have not been confirmed by published functional studies and their clinical significance is uncertain. This variant has not been reported in the literature in individuals with BLM-related conditions. This variant is not present in population databases (ExAC no frequency). This sequence change replaces methionine with lysine at codon 450 of the BLM protein (p.Met450Lys). The methionine residue is weakly conserved and there is a moderate physicochemical difference between methionine and lysine.

NM_000057.4(BLM):c.1349T>A (p.Met450Lys)

Gene: BLM (BLM RecQ like helicase; plus strand). Cytogenetic location: 15q26.1.
Variant type: single nucleotide variant.
Coding change: c.1349T>A on transcript NM_000057.4 (MANE Select); coding-DNA position 1349, T replaced by A.
Protein change: p.Met450Lys; replaces methionine 450 with lysine.
Molecular consequence: missense variant.
Genome position (GRCh38, 1-based): chr15:90,760,722, T>A. VCF-style: chr15-90760722-T-A. GRCh37 (hg19) VCF-style: chr15-91303952-T-A.
Other names: c.1349T>A, p.Met450Lys (NM_001287246.2, NM_001287247.2); c.224T>A, p.Met75Lys (NM_001287248.2); short protein forms M450K, M75K.
Identifiers: ClinVar variation 1061946 (VCV001061946.9), dbSNP rs2151158079, ClinGen allele CA393842865.
Genomic context (GRCh38, chr15:90,760,722, plus strand): 5'-ACAGGCCTGATTCACTTGATGGCCCTATGGAGGGTGATTCCTGCCCTACAGGGAATTCTA[T>A]GAAGGAGTTAAATTTTTCACACCTTCCCTCAAATTCTGTTTCTCCTGGGGACTGTTTACT-3'
Protein context (NP_000048.1, residues 440-460): EGDSCPTGNS[Met450Lys]KELNFSHLPS